The following is an entry in ClinVar:

ClinVar aggregate classification (germline): Uncertain significance (1 of 4 stars; one submission).

Conditions:
Wilms tumor 1 (WT1). Also called: Wilms tumor, somatic. Identifiers: Orphanet 654, MedGen CN033288, MONDO:0008679, OMIM 194070.

Allele frequency attached by ClinVar (database versions not stated): gnomAD exomes below 0.00001 and 0.00001; ExAC 0.00001; TOPMed 0.00001.
gnomAD v4.1: 2 of 1,206,092 alleles (0.00017%); highest among the groups gnomAD compares: Non-Finnish European, 0.00022%; no homozygotes.

Submission:

Labcorp Genetics (formerly Invitae), Labcorp
Classification: Uncertain significance for Wilms tumor 1. Last evaluated: 2025-06-23. Review status: criteria provided, single submitter. Criteria: Invitae Variant Classification Sherloc (09022015). Collection method: clinical testing. Allele origin: germline.
Comment: This sequence change replaces phenylalanine, which is neutral and non-polar, with leucine, which is neutral and non-polar, at codon 577 of the GPC3 protein (p.Phe577Leu). This variant is present in population databases (rs755635706, gnomAD 0.001%), including at least one homozygous and/or hemizygous individual. This variant has not been reported in the literature in individuals affected with GPC3-related conditions. ClinVar contains an entry for this variant (Variation ID: 657490). An algorithm developed to predict the effect of missense changes on protein structure and function outputs the following: PolyPhen-2: "Benign". The leucine amino acid residue is found in multiple mammalian species, which suggests that this missense change does not adversely affect protein function. In summary, the available evidence is currently insufficient to determine the role of this variant in disease. Therefore, it has been classified as a Variant of Uncertain Significance.

NM_004484.4(GPC3):c.1729T>C (p.Phe577Leu)

Gene: GPC3 (glypican 3; minus strand). Cytogenetic location: Xq26.2.
Variant type: single nucleotide variant.
Coding change: c.1729T>C on transcript NM_004484.4 (MANE Select); coding-DNA position 1729, T replaced by C.
Protein change: p.Phe577Leu; replaces phenylalanine 577 with leucine.
Molecular consequence: missense variant.
Genome position (GRCh38, 1-based): chrX:133,536,138, A>G on the plus strand (T>C on the coding strand, the complement: GPC3 is on the minus strand). VCF-style: chrX-133536138-A-G. GRCh37 (hg19) VCF-style: chrX-132670166-A-G.
Other names: c.1798T>C, p.Phe600Leu (NM_001164617.2); c.1681T>C, p.Phe561Leu (NM_001164618.2); c.1567T>C, p.Phe523Leu (NM_001164619.2); short protein forms F561L, F523L, F577L, F600L.
Identifiers: ClinVar variation 657490 (VCV000657490.11), dbSNP rs755635706, ClinGen allele CA10520627.